The following is an entry in ClinVar:

NM_172364.5(CACNA2D4):c.892G>A (p.Val298Met)

Gene: CACNA2D4 (calcium voltage-gated channel auxiliary subunit alpha2delta 4; minus strand). Cytogenetic location: 12p13.33.
Variant type: single nucleotide variant.
Coding change: c.892G>A on transcript NM_172364.5 (MANE Select); coding-DNA position 892, G replaced by A.
Protein change: p.Val298Met; replaces valine 298 with methionine.
Molecular consequence: missense variant.
Genome position (GRCh38, 1-based): chr12:1,886,324, C>T on the plus strand (G>A on the coding strand, the complement: CACNA2D4 is on the minus strand). VCF-style: chr12-1886324-C-T. GRCh37 (hg19) VCF-style: chr12-1995490-C-T.
Other names: short protein forms V298M.
Identifiers: ClinVar variation 882887 (VCV000882887.11), dbSNP rs371792930, ClinGen allele CA6387368.

ClinVar aggregate classification (germline): Uncertain significance. Review status: criteria provided, multiple submitters, no conflicts (2 of 4 stars). 4 submissions from 4 submitters: Uncertain significance (3). 1 of the submissions does not count toward it. Last evaluated 2024-10-04.

Conditions:
Retinal cone dystrophy 4 (RCD4). Identifiers: Orphanet 1872, MedGen C1864849, MONDO:0012507, OMIM 610478.
Retinal dystrophy. Also called: Inherited retinal dystrophy. Identifiers: Orphanet 71862, MedGen C0854723, MeSH D058499, MONDO:0019118, HP:0000556.

Allele frequency attached by ClinVar (database versions not stated): TOPMed 0.00006; gnomAD exomes 0.00010; 1000 Genomes Project 30x 0.00016; ESP Exome Variant Server 0.00016; ExAC 0.00017; 1000 Genomes Project 0.00020.
gnomAD v4.1: 158 of 1,613,886 alleles (0.0098%); highest among the groups gnomAD compares: Non-Finnish European, 0.012%; no homozygotes.

Submissions (4):

Blueprint Genetics
Classification: Uncertain significance. Last evaluated: 2024-10-04. Review status: criteria provided, single submitter. Criteria: ACMG Guidelines, 2015. Collection method: clinical testing. Allele origin: germline.

Labcorp Genetics (formerly Invitae), Labcorp
Classification: Uncertain significance. Last evaluated: 2024-06-06. Review status: criteria provided, single submitter. Criteria: Invitae Variant Classification Sherloc (09022015). Collection method: clinical testing. Allele origin: germline.
Comment: This sequence change replaces valine, which is neutral and non-polar, with methionine, which is neutral and non-polar, at codon 298 of the CACNA2D4 protein (p.Val298Met). This variant is present in population databases (rs371792930, gnomAD 0.02%). This variant has not been reported in the literature in individuals affected with CACNA2D4-related conditions. ClinVar contains an entry for this variant (Variation ID: 882887). Algorithms developed to predict the effect of missense changes on protein structure and function output the following: SIFT: "Not Available"; PolyPhen-2: "Benign"; Align-GVGD: "Not Available". The methionine amino acid residue is found in multiple mammalian species, which suggests that this missense change does not adversely affect protein function. In summary, the available evidence is currently insufficient to determine the role of this variant in disease. Therefore, it has been classified as a Variant of Uncertain Significance.

Illumina Laboratory Services, Illumina
Classification: Uncertain significance for Retinal cone dystrophy 4. Last evaluated: 2018-01-13. Review status: criteria provided, single submitter. Criteria: ICSL Variant Classification Criteria 13 December 2019. Collection method: clinical testing. Allele origin: germline.

Institute of Human Genetics, Univ. Regensburg, Univ. Regensburg
Classification: Uncertain significance for Retinal dystrophy. Last evaluated: 2023-01-01. Review status: no assertion criteria provided. Criteria: ACMG Guidelines, 2015. Collection method: clinical testing. Allele origin: germline. Affected: yes. Not counted in ClinVar's aggregate classification.